The following is an entry in ClinVar:

ClinVar aggregate classification (germline): Likely benign. Review status: criteria provided, multiple submitters, no conflicts (2 of 4 stars). 2 submissions from 2 submitters: Likely benign (2). Last evaluated 2024-12-01.

Conditions:
Combined immunodeficiency due to MALT1 deficiency. Also called: Immunodeficiency 12. Identifiers: Orphanet 397964, MedGen C3809583, MONDO:0014197, OMIM 615468.

Allele frequency attached by ClinVar (database versions not stated): gnomAD 0.00001; TOPMed 0.00001.
gnomAD v4.1: 6 of 1,279,102 alleles (0.00047%); highest among the groups gnomAD compares: Admixed American, 0.0037%; no homozygotes.

Submissions (2):

CeGaT Center for Human Genetics Tuebingen
Classification: Likely benign. Last evaluated: 2024-12-01. Review status: criteria provided, single submitter. Criteria: CeGaT Center For Human Genetics Tuebingen Variant Classification Criteria Version 2. Collection method: clinical testing. Allele origin: germline. Affected: yes. Observed: 1 variant allele.
Comment: MALT1: BP4, BP7

Labcorp Genetics (formerly Invitae), Labcorp
Classification: Likely benign for Combined immunodeficiency due to MALT1 deficiency. Last evaluated: 2022-12-27. Review status: criteria provided, single submitter. Criteria: Invitae Variant Classification Sherloc (09022015). Collection method: clinical testing. Allele origin: germline.

NM_006785.4(MALT1):c.75G>A (p.Pro25=)

Genes: MALT1 (MALT1 paracaspase; plus strand), MALT1-AS1 (MALT1 antisense RNA 1; minus strand), LOC130062586 (ATAC-STARR-seq lymphoblastoid silent region 9487; plus strand). Cytogenetic location: 18q21.32.
Variant type: single nucleotide variant.
Coding change: c.75G>A on transcript NM_006785.4 (MANE Select); coding-DNA position 75, G replaced by A.
Protein change: p.Pro25=; no amino-acid change (proline 25 retained).
Molecular consequence: synonymous variant. On other transcripts: non-coding transcript variant (1).
Genome position (GRCh38, 1-based): chr18:58,671,718, G>A. VCF-style: chr18-58671718-G-A. GRCh37 (hg19) VCF-style: chr18-56338950-G-A.
Other names: c.75G>A, p.Pro25= (NM_173844.3).
Identifiers: ClinVar variation 1055404 (VCV001055404.22), dbSNP rs1403424764, ClinGen allele CA504033194.
Genomic context (GRCh38, chr18:58,671,718, plus strand): 5'-GGACCCGCTACAGGCCCTGCCGCCCTCGGCCGCCCCCACGGGGCCGCTGCTCGCCCCTCC[G>A]GCCGGCGCGACCCTCAACCGCCTGCGGGAGCCGCTGCTGCGGAGGCTCAGCGAGCTCCTG-3'
Protein context (NP_006776.1, residues 15-35): AAPTGPLLAP[Pro25=]AGATLNRLRE